The following continues an entry in ClinVar:

NM_000059.4(BRCA2):c.1813del (p.Ile605fs)

Gene: BRCA2. ClinVar aggregate classification (germline): Pathogenic. Pathogenic (1).

Submissions 9 to 24 of 36:

All of Us Research Program, National Institutes of Health
Classification: Pathogenic for BRCA2-related cancer predisposition. Last evaluated: 2024-08-29. Review status: criteria provided, single submitter. Criteria: ACMG Guidelines, 2015. Collection method: clinical testing. Allele origin: germline. Inheritance: Autosomal dominant inheritance. Observed: 2 variant alleles, 2 heterozygotes. Not counted in ClinVar's aggregate classification.
Comment: This variant deletes 1 nucleotide in exon 10 of the BRCA2 gene, creating a frameshift and premature translation stop signal. This variant is expected to result in an absent or non-functional protein product. This variant has been reported in at least 30 individuals affected with breast and/or ovarian cancer (PMID: 11389159, 12203997, 16912212, 17851763, 18824701, 20104584, 23704984, 26026974, 27153395, 28294317, 29348823, 30287823, 32438681) that includes in a breast cancer case-control study where this variant was detected in 18/7051 female cases and 1/11241 unaffected controls (OR=28.7, 95% CI 4.5 to 1190.4) (PMID: 30287823). This variant also has been detected in at least five individuals affected with prostate cancer (PMID: 23035815, 31214711). This variant has been identified in 8/232106 chromosomes in the general population by the Genome Aggregation Database (gnomAD). Loss of BRCA2 function is a known mechanism of disease. Based on the available evidence, this variant is classified as Pathogenic.

This study involves interpretation of variants in research participants for the purpose of population health screening. Participant phenotype was not available at the time of variant classification. Additional details can be found in publication PMID: 35346344, PMCID: PMC8962531

Institute for Biomarker Research, Medical Diagnostic Laboratories, L.L.C.
Classification: Pathogenic for Hereditary breast ovarian cancer syndrome. Last evaluated: 2024-08-20. Review status: criteria provided, single submitter. Criteria: ACMG Guidelines, 2015. Collection method: clinical testing. Allele origin: germline. Not counted in ClinVar's aggregate classification.
Comment: This variant has been previously classified as pathogenic, indicating that the region is critical to protein function. There are 3810 downstream pathogenic loss of function variants, with the furthest variant being 2815 residues downstream of this variant. This indicates that the region is critical to protein function. The p.Ile605Tyrfs*9 variant is a loss of function variant in the gene BRCA2, which is intolerant of Loss of Function variants, as indicated by the presence of existing pathogenic loss of function variant NP_000050.3:p.M1Lfs*44 and 4499 others. For these reasons, this variant has been classified as Pathogenic

St. Jude Molecular Pathology, St. Jude Children's Research Hospital
Classification: Pathogenic for Breast-ovarian cancer, familial, susceptibility to, 2. Last evaluated: 2024-06-26. Review status: criteria provided, single submitter. Criteria: St. Jude Assertion Criteria 2020. Collection method: clinical testing. Allele origin: germline. Not counted in ClinVar's aggregate classification.
Comment: The BRCA2 c.1813del (p.Ile605TyrfsTer9) change deletes one nucleotide, causing a frameshift and the creation of a premature stop codon. This change is predicted to cause protein truncation or absence of protein due to nonsense-mediated decay. This variant has been reported in individuals with BRCA2-associated cancers (PMID: 11389159; 19016756; 20104584; 23035815; 23704984; 24549055; 30287823). In summary, this variant meets criteria to be classified as pathogenic.

Department of Clinical Genetics, Copenhagen University Hospital, Rigshospitalet
Classification: Pathogenic for Breast-ovarian cancer, familial, susceptibility to, 2. Last evaluated: 2024-05-27. Review status: criteria provided, single submitter. Criteria: ACMG Guidelines, 2015. Collection method: clinical testing. Allele origin: germline. Affected: yes. Not counted in ClinVar's aggregate classification.
Comment: PVS1; PM5_PTC_Strong

Baylor Genetics
Classification: Pathogenic for Familial cancer of breast. Last evaluated: 2024-02-23. Review status: criteria provided, single submitter. Criteria: ACMG Guidelines, 2015. Collection method: clinical testing. Allele origin: unknown. Not counted in ClinVar's aggregate classification.

CeGaT Center for Human Genetics Tuebingen
Classification: Pathogenic. Last evaluated: 2024-02-01. Review status: criteria provided, single submitter. Criteria: CeGaT Center For Human Genetics Tuebingen Variant Classification Criteria Version 2. Collection method: clinical testing. Allele origin: germline. Affected: yes. Observed: 1 variant allele. Not counted in ClinVar's aggregate classification.
Comment: BRCA2: PVS1, PM2, PS4:Supporting

Revvity Omics, Revvity
Classification: Pathogenic. Last evaluated: 2024-01-09. Review status: criteria provided, single submitter. Criteria: ACMG Guidelines, 2015. Collection method: clinical testing. Allele origin: germline. Not counted in ClinVar's aggregate classification.

Clinical Genetics Laboratory, Skane University Hospital Lund
Classification: Pathogenic. Last evaluated: 2023-11-01. Review status: criteria provided, single submitter. Criteria: ACMG Guidelines, 2015. Collection method: clinical testing. Allele origin: germline. Affected: yes. Not counted in ClinVar's aggregate classification.

GeneDx
Classification: Pathogenic. Last evaluated: 2023-10-10. Review status: criteria provided, single submitter. Criteria: GeneDx Variant Classification Process June 2021. Collection method: clinical testing. Allele origin: germline. Affected: yes. Not counted in ClinVar's aggregate classification.
Comment: Frameshift variant predicted to result in protein truncation or nonsense mediated decay in a gene for which loss-of-function is a known mechanism of disease; Observed in individuals with a personal or family history consistent with pathogenic variants in this gene (Bergthorsson et al., 2001; Spearman et al., 2008; Sugano et al., 2008; Hirasawa et al., 2017; Lang et al., 2017; Dudley et al., 2018); Not observed at significant frequency in large population cohorts (gnomAD); Truncating variants in this gene are considered pathogenic by a well-established clinical consortium and/or database; Also known as 2041delA; This variant is associated with the following publications: (PMID: 12203997, 35448200, 32438681, 23035815, 11389159, 18824701, 19016756, 27062684, 29348823, 29360161, 26026974, 21318380, 20104584, 17851763, 15131399, 12442265, 11802209, 30287823, 30702160, 28294317, 26187060, 26848529, 31454914, 29176636, 33573335, 32365798, 32856869, 33572923, 33646313, 32853339, 31825140, 32338768, 30787465, 36243179, 35264596, 32980694, 32868316, 28888541, 33804961, 33758026, 36988593)

KCCC/NGS Laboratory, Kuwait Cancer Control Center
Classification: Pathogenic for Breast-ovarian cancer, familial, susceptibility to, 2. Last evaluated: 2023-06-06. Review status: criteria provided, single submitter. Criteria: ACMG Guidelines, 2015. Collection method: clinical testing. Allele origin: germline. Affected: yes. Not counted in ClinVar's aggregate classification.
Comment: The BRCA2 c.1813delA (p.Ile605Tyrfs) variant results in a premature termination codon, predicted to cause a truncated or absent BRCA2 protein due to nonsense mediated decay, which are commonly known mechanisms for disease. The variant of interest was not found in the large, broad control population, ExAC. Multiple publications have cited the variant in affected individuals, along with multiple reputable databases/clinical diagnostic laboratories have cited the variant as "pathogenic." ClinVar has 14 entries for this variant, all of which described it as pathogenic. Therefore, the variant of interest has been classified as Pathogenic.

Blueprint Genetics
Classification: Pathogenic for BRCA2-related disorders. Last evaluated: 2023-03-01. Review status: criteria provided, single submitter. Criteria: ACMG Guidelines, 2015. Collection method: clinical testing. Allele origin: germline. Affected: yes. Observed: 2 variant alleles. Not counted in ClinVar's aggregate classification.

Centre for Mendelian Genomics, University Medical Centre Ljubljana
Classification: Pathogenic for Breast-ovarian cancer, familial, susceptibility to, 2. Last evaluated: 2022-12-09. Review status: criteria provided, single submitter. Criteria: ACMG Guidelines, 2015. Collection method: research. Allele origin: germline. Affected: no. Not counted in ClinVar's aggregate classification.
Comment: PVS1, PS4_STR

Quest Diagnostics Nichols Institute San Juan Capistrano
Classification: Pathogenic. Last evaluated: 2022-01-25. Review status: criteria provided, single submitter. Criteria: Quest Diagnostics criteria. Collection method: clinical testing. Allele origin: unknown. Not counted in ClinVar's aggregate classification.
Comment: This frameshift variant alters the translational reading frame of the BRCA2 mRNA and causes the premature termination of BRCA2 protein synthesis. The frequency of this variant in the general population, 0.00011 (3/26880 chromosomes), is consistent with pathogenicity. In the published literature, the variant has been reported in individuals and families with breast and/or ovarian cancer (PMIDs: 29348823 (2017), 27062684 (2016), 24549055 (2014), 23035815 (2012), 20104584 (2010), 19016756 (2008), 17851763 (2008), 11389159 (2001)). Based on the available information, this variant is classified as pathogenic.

MGZ Medical Genetics Center
Classification: Pathogenic for Familial cancer of breast. Last evaluated: 2021-11-16. Review status: criteria provided, single submitter. Criteria: ACMG Guidelines, 2015. Collection method: clinical testing. Allele origin: germline. Affected: yes. Observed: 1 variant allele. Not counted in ClinVar's aggregate classification.
Comment: ACMG criteria applied: PVS1, PS4, PM2_SUP, PP4

Sema4
Classification: Pathogenic for Hereditary cancer-predisposing syndrome. Last evaluated: 2021-07-30. Review status: criteria provided, single submitter. Criteria: Sema4 Curation Guidelines. Collection method: curation. Allele origin: germline. Not counted in ClinVar's aggregate classification.
Comment: The BRCA2 c.1813del (p.I605YfsX9) variant has been reported in heterozygosity in individuals with hereditary breast and/or ovarian cancer (PMID: 11389159, 11802209, 19016756, 20104584, 24549055, 29348823). It is also known as 2041delA in the literature. This variant causes a frameshift at amino acid 605 that results in premature termination 9 amino acids downstream. At this location, this is predicted to cause nonsense-mediated decay and result in an absent protein (loss of function). Loss of function variants in BRCA2 are known to be pathogenic (PMID: 29446198). It was observed in 8/232106 chromosomes in the large and broad cohorts of the Genome Aggregation Database (PMID: 32461654). This variant has been reported in ClinVar (Variation ID: 37763). Based on the current evidence available, this variant is interpreted as pathogenic.

Genetics and Molecular Pathology, SA Pathology
Classification: Pathogenic for Familial cancer of breast. Last evaluated: 2020-08-25. Review status: criteria provided, single submitter. Criteria: ACMG Guidelines, 2015. Collection method: clinical testing. Allele origin: germline. Affected: yes. Not counted in ClinVar's aggregate classification.